The following is an entry in ClinVar:

ClinVar aggregate classification (germline): Uncertain significance (1 of 4 stars; one submission).

Allele frequency attached by ClinVar (database versions not stated): ExAC 0.00003; gnomAD 0.00003 and 0.00004; TOPMed 0.00003; ESP Exome Variant Server 0.00008.
gnomAD v4.1: 37 of 1,511,948 alleles (0.0024%); highest among the groups gnomAD compares: East Asian, 0.0054%; no homozygotes.

Submission:

Labcorp Genetics (formerly Invitae), Labcorp
Classification: Uncertain significance. Last evaluated: 2024-04-19. Review status: criteria provided, single submitter. Criteria: Invitae Variant Classification Sherloc (09022015). Collection method: clinical testing. Allele origin: germline.
Comment: This sequence change replaces alanine, which is neutral and non-polar, with threonine, which is neutral and polar, at codon 673 of the VAV1 protein (p.Ala673Thr). The frequency data for this variant in the population databases is considered unreliable, as metrics indicate poor data quality at this position in the gnomAD database. This variant has not been reported in the literature in individuals affected with VAV1-related conditions. ClinVar contains an entry for this variant (Variation ID: 1471183). An algorithm developed to predict the effect of missense changes on protein structure and function (PolyPhen-2) suggests that this variant is likely to be disruptive. In summary, the available evidence is currently insufficient to determine the role of this variant in disease. Therefore, it has been classified as a Variant of Uncertain Significance.

NM_005428.4(VAV1):c.2017G>A (p.Ala673Thr)

Gene: VAV1 (vav guanine nucleotide exchange factor 1; plus strand). Cytogenetic location: 19p13.3.
Variant type: single nucleotide variant.
Coding change: c.2017G>A on transcript NM_005428.4 (MANE Select); coding-DNA position 2017, G replaced by A.
Protein change: p.Ala673Thr; replaces alanine 673 with threonine.
Molecular consequence: missense variant.
Genome position (GRCh38, 1-based): chr19:6,848,002, G>A. VCF-style: chr19-6848002-G-A. GRCh37 (hg19) VCF-style: chr19-6848013-G-A.
Other names: c.1951G>A, p.Ala651Thr (NM_001258206.2); c.1921G>A, p.Ala641Thr (NM_001258207.2); short protein forms A651T, A641T, A673T.
Identifiers: ClinVar variation 1471183 (VCV001471183.6), dbSNP rs150162861, ClinGen allele CA9132831.
Genomic context (GRCh38, chr19:6,848,002, plus strand): 5'-TATGGGGACCCAGGCACGGGGACCGTGCCACCTCTGTCCTTGGTGTCTCTTTGCAGGTAC[G>A]CAGGCCCCATGGAGCGGGCAGGGGCAGAGAGCATCCTGGCCAACCGCTCGGACGGGACTT-3'
Protein context (NP_005419.2, residues 663-683): PQDLSVHLWY[Ala673Thr]GPMERAGAES